The following is an entry in ClinVar:

ClinVar aggregate classification (germline): Uncertain significance. Review status: criteria provided, multiple submitters, no conflicts (2 of 4 stars). 2 submissions from 2 submitters: Uncertain significance (2). Last evaluated 2025-10-01.

Conditions:
Inborn genetic diseases. Identifiers: MedGen C0950123, MeSH D030342.
Peroxisome biogenesis disorder 12A (Zellweger). Also called: Peroxisome biogenesis disorder 12A. Identifiers: Orphanet 912, MedGen C3554002, MONDO:0013951, OMIM 614886.

Allele frequency attached by ClinVar (database versions not stated): TOPMed below 0.00001; ExAC 0.00001; gnomAD 0.00001; gnomAD exomes 0.00001; 1000 Genomes Project 0.00020; 1000 Genomes Project 30x 0.00016.
gnomAD v4.1: 8 of 1,614,186 alleles (0.0005%); highest among the groups gnomAD compares: South Asian, 0.0088%; no homozygotes.

Submissions (2):

Ambry Genetics
Classification: Uncertain significance for Inborn genetic diseases. Last evaluated: 2025-10-01. Review status: criteria provided, single submitter. Criteria: Ambry Variant Classification Scheme 2023. Collection method: clinical testing. Allele origin: germline.

Labcorp Genetics (formerly Invitae), Labcorp
Classification: Uncertain significance for Peroxisome biogenesis disorder 12A (Zellweger). Last evaluated: 2022-08-21. Review status: criteria provided, single submitter. Criteria: Invitae Variant Classification Sherloc (09022015). Collection method: clinical testing. Allele origin: germline.
Comment: This sequence change replaces alanine, which is neutral and non-polar, with aspartic acid, which is acidic and polar, at codon 95 of the PEX19 protein (p.Ala95Asp). This variant is present in population databases (rs563863391, gnomAD 0.003%). This variant has not been reported in the literature in individuals affected with PEX19-related conditions. Algorithms developed to predict the effect of missense changes on protein structure and function are either unavailable or do not agree on the potential impact of this missense change (SIFT: "Tolerated"; PolyPhen-2: "Probably Damaging"; Align-GVGD: "Class C0"). In summary, the available evidence is currently insufficient to determine the role of this variant in disease. Therefore, it has been classified as a Variant of Uncertain Significance.

NM_002857.4(PEX19):c.284C>A (p.Ala95Asp)

Gene: PEX19 (peroxisomal biogenesis factor 19; minus strand). Cytogenetic location: 1q23.2.
Variant type: single nucleotide variant.
Coding change: c.284C>A on transcript NM_002857.4 (MANE Select); coding-DNA position 284, C replaced by A.
Protein change: p.Ala95Asp; replaces alanine 95 with aspartic acid.
Molecular consequence: missense variant. On other transcripts: non-coding transcript variant (2).
Genome position (GRCh38, 1-based): chr1:160,283,006, G>T on the plus strand (C>A on the coding strand, the complement: PEX19 is on the minus strand). VCF-style: chr1-160283006-G-T. GRCh37 (hg19) VCF-style: chr1-160252796-G-T.
Other names: c.284C>A, p.Ala95Asp (NM_001193644.1); c.284C>A (NM_002857.3); short protein forms A95D.
Identifiers: ClinVar variation 1714895 (VCV001714895.4), dbSNP rs563863391, ClinGen allele CA1197415.
Genomic context (GRCh38, chr1:160,283,006, plus strand): 5'-ACTCTCCCTGCAGCCTCTGAGAGCTTTTGGAACTGCTCCACCAGGTGGGGTTCTTCCTCA[G>T]CCAACTCCTTCATTGCCTTCTCGAACTCCGCAGTGGCTTGGGAAGCCAGTTCACTGTCGA-3'
Protein context (NP_002848.1, residues 85-105): AEFEKAMKEL[Ala95Asp]EEEPHLVEQF